The following is an entry in ClinVar:

NM_001084.5(PLOD3):c.338+5C>G

Gene: PLOD3 (procollagen-lysine,2-oxoglutarate 5-dioxygenase 3; minus strand). Cytogenetic location: 7q22.1.
Variant type: single nucleotide variant.
Coding change: c.338+5C>G on transcript NM_001084.5 (MANE Select); 5 bases into the intron after coding-DNA position 338, C replaced by G.
Molecular consequence: intron variant.
Genome position (GRCh38, 1-based): chr7:101,216,405, G>C on the plus strand (C>G on the coding strand, the complement: PLOD3 is on the minus strand). VCF-style: chr7-101216405-G-C. GRCh37 (hg19) VCF-style: chr7-100859686-G-C.
Other names: c.338+5C>G (NM_001084.4).
Identifiers: ClinVar variation 1942002 (VCV001942002.4), dbSNP rs368208756, ClinGen allele CA4408234.

ClinVar aggregate classification (germline): Uncertain significance. Review status: criteria provided, single submitter (1 of 4 stars). 2 submissions from 2 submitters: Uncertain significance (1). 1 of the submissions does not count toward it. Last evaluated 2022-07-24.

Conditions:
PLOD3-related disorder. Also called: PLOD3-related condition.

Allele frequency attached by ClinVar (database versions not stated): ESP Exome Variant Server 0.00008.
gnomAD v4.1: 7 of 1,614,078 alleles (0.00043%); highest among the groups gnomAD compares: Non-Finnish European, 0.00059%; no homozygotes.

Submissions (2):

Labcorp Genetics (formerly Invitae), Labcorp
Classification: Uncertain significance. Last evaluated: 2022-07-24. Review status: criteria provided, single submitter. Criteria: Invitae Variant Classification Sherloc (09022015). Collection method: clinical testing. Allele origin: germline.
Comment: This sequence change falls in intron 3 of the PLOD3 gene. It does not directly change the encoded amino acid sequence of the PLOD3 protein. It affects a nucleotide within the consensus splice site. This variant is present in population databases (rs368208756, gnomAD 0.002%). This variant has not been reported in the literature in individuals affected with PLOD3-related conditions. Variants that disrupt the consensus splice site are a relatively common cause of aberrant splicing (PMID: 17576681, 9536098). Algorithms developed to predict the effect of sequence changes on RNA splicing suggest that this variant may create or strengthen a splice site. In summary, the available evidence is currently insufficient to determine the role of this variant in disease. Therefore, it has been classified as a Variant of Uncertain Significance.

PreventionGenetics, part of Exact Sciences
Classification: Likely benign for PLOD3-related condition. Last evaluated: 2024-02-20. Review status: no assertion criteria provided. Collection method: clinical testing. Allele origin: germline. Not counted in ClinVar's aggregate classification.
Comment: This variant is classified as likely benign based on ACMG/AMP sequence variant interpretation guidelines (Richards et al. 2015 PMID: 25741868, with internal and published modifications).

Literature cited by the submitters: PubMed 17576681 (cited by Labcorp Genetics (formerly Invitae), Labcorp); PubMed 9536098 (cited by Labcorp Genetics (formerly Invitae), Labcorp).